The following is an entry in ClinVar:

NM_001199267.2(DGKZ):c.311A>G (p.Asn104Ser)

Gene: DGKZ (diacylglycerol kinase zeta; plus strand). Cytogenetic location: 11p11.2.
Variant type: single nucleotide variant.
Coding change: c.311A>G on transcript NM_001199267.2 (MANE Select); coding-DNA position 311, A replaced by G.
Protein change: p.Asn104Ser; replaces asparagine 104 with serine.
Molecular consequence: missense variant.
Genome position (GRCh38, 1-based): chr11:46,367,692, A>G. VCF-style: chr11-46367692-A-G. GRCh37 (hg19) VCF-style: chr11-46389242-A-G.
Other names: c.878A>G, p.Asn293Ser (NM_001105540.2); c.311A>G, p.Asn104Ser (NM_001199266.2, NM_001199268.2, NM_003646.4); c.362A>G, p.Asn121Ser (NM_201532.3); c.323A>G, p.Asn108Ser (NM_201533.3); short protein forms N121S, N293S, N104S, N108S.
Identifiers: ClinVar variation 2720772 (VCV002720772.3), dbSNP rs754971211, ClinGen allele CA5962293.

ClinVar aggregate classification (germline): Uncertain significance (1 of 4 stars; one submission).

Allele frequency attached by ClinVar (database versions not stated): ExAC 0.00003; gnomAD 0.00003; TOPMed 0.00003.
gnomAD v4.1: 39 of 1,610,454 alleles (0.0024%); highest among the groups gnomAD compares: Admixed American, 0.0067%; no homozygotes.

Submission:

Labcorp Genetics (formerly Invitae), Labcorp
Classification: Uncertain significance. Last evaluated: 2023-05-27. Review status: criteria provided, single submitter. Criteria: Invitae Variant Classification Sherloc (09022015). Collection method: clinical testing. Allele origin: germline.
Comment: This sequence change replaces asparagine, which is neutral and polar, with serine, which is neutral and polar, at codon 293 of the DGKZ protein (p.Asn293Ser). This variant is present in population databases (rs754971211, gnomAD 0.009%). This variant has not been reported in the literature in individuals affected with DGKZ-related conditions. An algorithm developed to predict the effect of missense changes on protein structure and function (PolyPhen-2) suggests that this variant is likely to be tolerated. In summary, the available evidence is currently insufficient to determine the role of this variant in disease. Therefore, it has been classified as a Variant of Uncertain Significance.